The following is an entry in ClinVar:

ClinVar aggregate classification (germline): Likely benign (1 of 4 stars; one submission).

Allele frequency attached by ClinVar (database versions not stated): gnomAD 0.00972; TOPMed 0.01072; 1000 Genomes Project 0.01158; 1000 Genomes Project 30x 0.01249.

Submission:

GeneDx
Classification: Likely benign. Last evaluated: 2021-05-26. Review status: criteria provided, single submitter. Criteria: GeneDx Variant Classification Process June 2021. Collection method: clinical testing. Allele origin: germline. Affected: yes.
Comment: See Variant Classification Assertion Criteria.

NM_020041.3(SLC2A9):c.250-213del

Genes: SLC2A9 (solute carrier family 2 member 9; minus strand), SLC2A9-AS1 (SLC2A9 antisense RNA 1; plus strand). Cytogenetic location: 4p16.1.
Variant type: Deletion.
Coding change: c.250-213del on transcript NM_020041.3 (MANE Select); 213 bases into the intron before coding-DNA position 250, one base deleted (G; older notation c.250-213delG).
Molecular consequence: intron variant.
Genome position (GRCh38, 1-based): chr4:9,997,154, C deleted on the plus strand (G on the coding strand, the reverse complement: SLC2A9 is on the minus strand). VCF-style (leftmost placement, unchanged base first): chr4-9997153-TC-T. GRCh37 (hg19) VCF-style: chr4-9998777-TC-T.
Other names: c.163-213del (NM_001001290.2).
Identifiers: ClinVar variation 2497749 (VCV002497749.1), dbSNP rs201026840, ClinGen allele CA92198967.
Genomic context (GRCh38, chr4:9,997,153, plus strand): 5'-ACAAATTTTGGGAAGAGCAGAAGATGTTAATCTTTATTATATTCAAATGAGCATTTTTTT[TC>T]TTTTATGGCTAGTTTTTTTGTGTTTCTTGCATCTTTGCCTATCCCAAGGTACTTTTTTTG-3'